The following is an entry in ClinVar:

NM_018979.4(WNK1):c.3332G>A (p.Arg1111Gln)

Gene: WNK1 (WNK lysine deficient protein kinase 1; plus strand). Cytogenetic location: 12p13.33.
Variant type: single nucleotide variant.
Coding change: c.3332G>A on transcript NM_018979.4 (MANE Select); coding-DNA position 3332, G replaced by A.
Protein change: p.Arg1111Gln; replaces arginine 1111 with glutamine.
Molecular consequence: missense variant.
Genome position (GRCh38, 1-based): chr12:882,033, G>A. VCF-style: chr12-882033-G-A. GRCh37 (hg19) VCF-style: chr12-991199-G-A.
Other names: c.4112G>A, p.Arg1371Gln (NM_001184985.2); c.2591G>A, p.Arg864Gln (NM_014823.3); c.4088G>A, p.Arg1363Gln (NM_213655.5); short protein forms R1111Q, R1363Q, R1371Q, R864Q.
Identifiers: ClinVar variation 3752974 (VCV003752974.2).
Genomic context (GRCh38, chr12:882,033, plus strand): 5'-GAAGGCATGAAGGAAGAACTACAAAACGGCATTACCGAAAATCTGTAAGGAGTCGCTCTC[G>A]ACATGAAAAAACTTCACGCCCAAAATTAAGAATTTTGAATGTAAGTATTCCTAATTTGTG-3'
Protein context (NP_061852.3, residues 1101-1121): HYRKSVRSRS[Arg1111Gln]HEKTSRPKLR

ClinVar aggregate classification (germline): Uncertain significance (1 of 4 stars; one submission).

Conditions:
Neuropathy, hereditary sensory and autonomic, type 2A (HSAN2A). Also called: ACROOSTEOLYSIS, GIACCAI TYPE; ACROOSTEOLYSIS, NEUROGENIC; MORVAN DISEASE; NEUROPATHY, CONGENITAL SENSORY; NEUROPATHY, HEREDITARY SENSORY RADICULAR, AUTOSOMAL RECESSIVE; NEUROPATHY, HEREDITARY SENSORY, TYPE IIA. Identifiers: Orphanet 970, MedGen C2752089, MONDO:0024309, OMIM 201300.
Pseudohypoaldosteronism type 2C (PHA2C). Also called: Pseudohypoaldosteronism Type IIC. Identifiers: Orphanet 757, Orphanet 88940, MedGen C1840391, MONDO:0013778, OMIM 614492.

gnomAD v4.1: 33 of 1,613,854 alleles (0.002%); highest among the groups gnomAD compares: Non-Finnish European, 0.0026%; no homozygotes.

Submission:

Labcorp Genetics (formerly Invitae), Labcorp
Classification: Uncertain significance for Neuropathy, hereditary sensory and autonomic, type 2A; Pseudohypoaldosteronism type 2C. Last evaluated: 2024-05-13. Review status: criteria provided, single submitter. Criteria: Invitae Variant Classification Sherloc (09022015). Collection method: clinical testing. Allele origin: germline.
Comment: This sequence change replaces arginine, which is basic and polar, with glutamine, which is neutral and polar, at codon 1363 of the WNK1 protein (p.Arg1363Gln). This variant is present in population databases (rs766862807, gnomAD 0.007%). This variant has not been reported in the literature in individuals affected with WNK1-related conditions. Advanced modeling of protein sequence and biophysical properties (such as structural, functional, and spatial information, amino acid conservation, physicochemical variation, residue mobility, and thermodynamic stability) performed at Invitae indicates that this missense variant is not expected to disrupt WNK1 protein function with a negative predictive value of 95%. In summary, the available evidence is currently insufficient to determine the role of this variant in disease. Therefore, it has been classified as a Variant of Uncertain Significance.